The following is an entry in ClinVar:

ClinVar aggregate classification (germline): Uncertain significance (1 of 4 stars; one submission).

Conditions:
Bardet-Biedl syndrome (BBS). Identifiers: Orphanet 110, MedGen C0752166, MONDO:0015229.

gnomAD v4.1: 2 of 1,613,826 alleles (0.00012%); highest among the groups gnomAD compares: Non-Finnish European, 0.00017%; no homozygotes.

Submission:

Labcorp Genetics (formerly Invitae), Labcorp
Classification: Uncertain significance for Bardet-Biedl syndrome. Last evaluated: 2025-05-19. Review status: criteria provided, single submitter. Criteria: Invitae Variant Classification Sherloc (09022015). Collection method: clinical testing. Allele origin: germline.
Comment: This sequence change replaces aspartic acid, which is acidic and polar, with glutamic acid, which is acidic and polar, at codon 645 of the WDPCP protein (p.Asp645Glu). This variant is not present in population databases (gnomAD no frequency). This variant has not been reported in the literature in individuals affected with WDPCP-related conditions. ClinVar contains an entry for this variant (Variation ID: 3667780). Invitae Evidence Modeling of protein sequence and biophysical properties (such as structural, functional, and spatial information, amino acid conservation, physicochemical variation, residue mobility, and thermodynamic stability) indicates that this missense variant is not expected to disrupt WDPCP protein function with a negative predictive value of 80%. In summary, the available evidence is currently insufficient to determine the role of this variant in disease. Therefore, it has been classified as a Variant of Uncertain Significance.

NM_015910.7(WDPCP):c.1935C>A (p.Asp645Glu)

Gene: WDPCP (WD repeat containing planar cell polarity effector; minus strand). Cytogenetic location: 2p15.
Variant type: single nucleotide variant.
Coding change: c.1935C>A on transcript NM_015910.7 (MANE Select); coding-DNA position 1935, C replaced by A.
Protein change: p.Asp645Glu; replaces aspartic acid 645 with glutamic acid.
Molecular consequence: missense variant. On other transcripts: non-coding transcript variant (3).
Genome position (GRCh38, 1-based): chr2:63,174,813, G>T on the plus strand (C>A on the coding strand, the complement: WDPCP is on the minus strand). VCF-style: chr2-63174813-G-T. GRCh37 (hg19) VCF-style: chr2-63401948-G-T.
Other names: c.1458C>A, p.Asp486Glu (NM_001042692.3); c.1863C>A, p.Asp621Glu (NM_001354044.2); short protein forms D621E, D645E, D486E.
Identifiers: ClinVar variation 3667780 (VCV003667780.2).